The following is an entry in ClinVar:

NM_000053.4(ATP7B):c.2386dup (p.Met796fs)

Gene: ATP7B (ATPase copper transporting beta; minus strand). Cytogenetic location: 13q14.3.
Variant type: Duplication.
Coding change: c.2386dup on transcript NM_000053.4 (MANE Select); coding-DNA position 2386, one base duplicated (A; older notation c.2386dupA).
Protein change: p.Met796fs; shifts the reading frame from methionine 796.
Molecular consequence: frameshift variant. On other transcripts: intron variant (1).
Genome position (GRCh38, 1-based): chr13:51,957,577, T duplicated on the plus strand (A on the coding strand, the reverse complement: ATP7B is on the minus strand). VCF-style (leftmost placement, unchanged base first): chr13-51957576-A-AT. GRCh37 (hg19) VCF-style: chr13-52531712-A-AT.
Other names: c.1900dup, p.Met634fs (NM_001005918.3, NM_001406541.1, NM_001406542.1 and 1 more transcripts); c.2053dup, p.Met685fs (NM_001243182.2); c.2152dup, p.Met718fs (NM_001330578.2, NM_001406527.1, NM_001406528.1 and 2 more transcripts); c.2134dup, p.Met712fs (NM_001330579.2, NM_001406531.1, NM_001406532.1 and 1 more transcripts); c.2386dup, p.Met796fs (NM_001406511.1, NM_001406512.1, NM_001406513.1 and 7 more transcripts); c.2353dup, p.Met785fs (NM_001406514.1); c.2290dup, p.Met764fs (NM_001406517.1, NM_001406518.1); c.2242dup, p.Met748fs (NM_001406520.1, NM_001406521.1, NM_001406522.1 and 1 more transcripts); and 8 more; short protein forms M680fs, M716fs, M764fs, M785fs, M602fs, M737fs, M796fs, M580fs.
Identifiers: ClinVar variation 3630218 (VCV003630218.2).

ClinVar aggregate classification (germline): Pathogenic (1 of 4 stars; one submission).

Conditions:
Wilson disease (WND). Also called: Wilson's disease. Identifiers: Orphanet 905, MedGen C0019202, MONDO:0010200, OMIM 277900. Disease mechanism: loss of function.

Submission:

Labcorp Genetics (formerly Invitae), Labcorp
Classification: Pathogenic for Wilson disease. Last evaluated: 2024-08-04. Review status: criteria provided, single submitter. Criteria: Invitae Variant Classification Sherloc (09022015). Collection method: clinical testing. Allele origin: germline.
Comment: This sequence change creates a premature translational stop signal (p.Met796Asnfs*15) in the ATP7B gene. It is expected to result in an absent or disrupted protein product. Loss-of-function variants in ATP7B are known to be pathogenic (PMID: 10441329, 16283883). This variant is not present in population databases (gnomAD no frequency). This variant has not been reported in the literature in individuals affected with ATP7B-related conditions. For these reasons, this variant has been classified as Pathogenic.

Literature cited by the submitters: PubMed 10441329; PubMed 16283883.